The following is an entry in ClinVar:

NM_013450.4(BAZ2B):c.3367G>A (p.Glu1123Lys)

Gene: BAZ2B (bromodomain adjacent to zinc finger domain 2B; minus strand). Cytogenetic location: 2q24.2.
Variant type: single nucleotide variant.
Coding change: c.3367G>A on transcript NM_013450.4 (MANE Select); coding-DNA position 3367, G replaced by A.
Protein change: p.Glu1123Lys; replaces glutamic acid 1123 with lysine.
Molecular consequence: missense variant.
Genome position (GRCh38, 1-based): chr2:159,386,457, C>T on the plus strand (G>A on the coding strand, the complement: BAZ2B is on the minus strand). VCF-style: chr2-159386457-C-T. GRCh37 (hg19) VCF-style: chr2-160242968-C-T.
Other names: c.3259G>A, p.Glu1087Lys (NM_001289975.1); c.3205G>A, p.Glu1069Lys (NM_001329857.2); c.3292G>A, p.Glu1098Lys (NM_001329858.2); short protein forms E1069K, E1087K, E1098K, E1123K.
Identifiers: ClinVar variation 2207351 (VCV002207351.2), dbSNP rs748773859, ClinGen allele CA1924372.

ClinVar aggregate classification (germline): Uncertain significance (1 of 4 stars; one submission).

Conditions:
Inborn genetic diseases. Identifiers: MedGen C0950123, MeSH D030342.

Allele frequency attached by ClinVar (database versions not stated): ExAC 0.00002; TOPMed 0.00002; gnomAD 0.00003.
gnomAD v4.1: 5 of 1,613,528 alleles (0.00031%); highest among the groups gnomAD compares: African/African-American, 0.0067%; no homozygotes.

Submission:

Ambry Genetics
Classification: Uncertain significance for Inborn genetic diseases. Last evaluated: 2020-12-03. Review status: criteria provided, single submitter. Criteria: Ambry Variant Classification Scheme 2023. Collection method: clinical testing. Allele origin: germline.
Comment: The c.3367G>A (p.E1123K) alteration is located in exon 22 (coding exon 20) of the BAZ2B gene. This alteration results from a G to A substitution at nucleotide position 3367, causing the glutamic acid (E) at amino acid position 1123 to be replaced by a lysine (K). Based on data from the Genome Aggregation Database (gnomAD) database, the BAZ2B c.3367G>A alteration was observed in 0.0008% (2/249070) of total alleles studied, with a frequency of 0.013% (2/15472) in the African subpopulation. The p.E1123 amino acid is conserved in available vertebrate species. The in silico prediction for the p.E1123K alteration is inconclusive. Based on insufficient or conflicting evidence, the clinical significance of this alteration remains unclear.